The following is an entry in ClinVar:

NM_001555.5(IGSF1):c.640A>G (p.Ser214Gly)

Gene: IGSF1 (immunoglobulin superfamily member 1; minus strand). Cytogenetic location: Xq26.1.
Variant type: single nucleotide variant.
Coding change: c.640A>G on transcript NM_001555.5 (MANE Select); coding-DNA position 640, A replaced by G.
Protein change: p.Ser214Gly; replaces serine 214 with glycine.
Molecular consequence: missense variant.
Genome position (GRCh38, 1-based): chrX:131,285,206, T>C on the plus strand (A>G on the coding strand, the complement: IGSF1 is on the minus strand). VCF-style: chrX-131285206-T-C. GRCh37 (hg19) VCF-style: chrX-130419180-T-C.
Other names: c.640A>G, p.Ser214Gly (NM_001170961.2, NM_001170963.2, NM_205833.4); c.613A>G, p.Ser205Gly (NM_001170962.2); short protein forms S205G, S214G.
Identifiers: ClinVar variation 1314191 (VCV001314191.2), dbSNP rs2080616608, ClinGen allele CA414583154.

ClinVar aggregate classification (germline): Uncertain significance (1 of 4 stars; one submission).

Allele frequency attached by ClinVar (database versions not stated): gnomAD exomes below 0.00001.
gnomAD v4.1: 1 of 1,200,445 alleles (0.000083%); highest among the groups gnomAD compares: Non-Finnish European, 0.00011%; no homozygotes.

Submission:

GeneDx
Classification: Uncertain significance. Last evaluated: 2020-02-20. Review status: criteria provided, single submitter. Criteria: GeneDx Variant Classification Process June 2021. Collection method: clinical testing. Allele origin: germline. Affected: yes.
Comment: Not observed in large population cohorts (Lek et al., 2016); In silico analysis supports that this missense variant has a deleterious effect on protein structure/function; Has not been previously published as pathogenic or benign to our knowledge